The following is an entry in ClinVar:

NM_213594.3(RFX4):c.188A>T (p.Gln63Leu)

Genes: RFX4 (regulatory factor X4; plus strand), RFX4-AS1 (RFX4 antisense RNA 1; minus strand). Cytogenetic location: 12q23.3.
Variant type: single nucleotide variant.
Coding change: c.188A>T on transcript NM_213594.3 (MANE Select); coding-DNA position 188, A replaced by T.
Protein change: p.Gln63Leu; replaces glutamine 63 with leucine.
Molecular consequence: missense variant.
Genome position (GRCh38, 1-based): chr12:106,639,389, A>T. VCF-style: chr12-106639389-A-T. GRCh37 (hg19) VCF-style: chr12-107033167-A-T.
Other names: c.215A>T, p.Gln72Leu (NM_001206691.2); short protein forms Q63L, Q72L.
Identifiers: ClinVar variation 4882768 (VCV004882768.2).

ClinVar aggregate classification (germline): Uncertain significance (1 of 4 stars; one submission).

Submission:

Dasa
Classification: Uncertain significance. Last evaluated: 2025-11-21. Review status: criteria provided, single submitter. Criteria: DASA Assertion Criteria. Collection method: clinical testing. Allele origin: germline.
Comment: NM_213594.3(RFX4):c.188A>T (p.Gln63Leu) is a missense variant that results in the substitution of glutamine with leucine. This variant is absent from population databases. Computational prediction algorithms are consistent with a deleterious effect. The currently available literature and clinical evidence are not sufficient to establish a definitive association between this variant and the reported condition. Therefore, this variant is classified as a variant of uncertain significance.